The following is an entry in ClinVar:

ClinVar aggregate classification (germline): Uncertain significance. Review status: criteria provided, multiple submitters, no conflicts (2 of 4 stars). 3 submissions from 3 submitters: Uncertain significance (3). Last evaluated 2026-09-03.

Conditions:
Inborn genetic diseases. Identifiers: MedGen C0950123, MeSH D030342.

Allele frequency attached by ClinVar (database versions not stated): gnomAD 0.00003; gnomAD exomes 0.00003 and 0.00014; ExAC 0.00006; TOPMed 0.00008.
gnomAD v4.1: 49 of 1,610,600 alleles (0.003%); highest among the groups gnomAD compares: Admixed American, 0.06%; no homozygotes.

Submissions (3):

GeneDx
Classification: Uncertain significance. Last evaluated: 2026-09-03. Review status: criteria provided, single submitter. Criteria: GeneDx Variant Classification Process June 2021. Collection method: clinical testing. Allele origin: germline.
Comment: In silico analysis suggests that this missense variant does not alter protein structure/function; Has not been previously published as pathogenic or benign to our knowledge

Ambry Genetics
Classification: Uncertain significance for Inborn genetic diseases. Last evaluated: 2025-07-31. Review status: criteria provided, single submitter. Criteria: Ambry Variant Classification Scheme 2023. Collection method: clinical testing. Allele origin: germline.

Labcorp Genetics (formerly Invitae), Labcorp
Classification: Uncertain significance. Last evaluated: 2022-09-01. Review status: criteria provided, single submitter. Criteria: Invitae Variant Classification Sherloc (09022015). Collection method: clinical testing. Allele origin: germline.
Comment: This sequence change replaces asparagine, which is neutral and polar, with serine, which is neutral and polar, at codon 1634 of the PTPN23 protein (p.Asn1634Ser). This variant is present in population databases (rs781734247, gnomAD 0.09%). This variant has not been reported in the literature in individuals affected with PTPN23-related conditions. ClinVar contains an entry for this variant (Variation ID: 1428958). Algorithms developed to predict the effect of missense changes on protein structure and function are either unavailable or do not agree on the potential impact of this missense change (SIFT: "Tolerated"; PolyPhen-2: "Not Available"; Align-GVGD: "Class C0"). Algorithms developed to predict the effect of sequence changes on RNA splicing suggest that this variant may create or strengthen a splice site. In summary, the available evidence is currently insufficient to determine the role of this variant in disease. Therefore, it has been classified as a Variant of Uncertain Significance.

NM_015466.4(PTPN23):c.4901A>G (p.Asn1634Ser)

Gene: PTPN23 (protein tyrosine phosphatase non-receptor type 23; plus strand). Cytogenetic location: 3p21.31.
Variant type: single nucleotide variant.
Coding change: c.4901A>G on transcript NM_015466.4 (MANE Select); coding-DNA position 4901, A replaced by G.
Protein change: p.Asn1634Ser; replaces asparagine 1634 with serine.
Molecular consequence: missense variant.
Genome position (GRCh38, 1-based): chr3:47,413,175, A>G. VCF-style: chr3-47413175-A-G. GRCh37 (hg19) VCF-style: chr3-47454665-A-G.
Other names: c.4523A>G, p.Asn1508Ser (NM_001304482.2); short protein forms N1508S, N1634S.
Identifiers: ClinVar variation 1428958 (VCV001428958.7), dbSNP rs781734247, ClinGen allele CA2366738.
Genomic context (GRCh38, chr3:47,413,175, plus strand): 5'-TGCGGGCCACCCGGCCCTCTGACGACCCCCTCAGCCTTCTGGATCCACTCTGGACACTCA[A>G]CAAGACCTGAACAGGTTTTGCCTACCTGGTCCTTACACTACATCATCATCATCTCATGCC-3'
Protein context (NP_056281.1, residues 1624-1636): LSLLDPLWTL[Asn1634Ser]KT